The following is an entry in ClinVar:

ClinVar aggregate classification (germline): Uncertain significance (1 of 4 stars; one submission).

Conditions:
Kabuki syndrome 2 (KABUK2). Also called: KDM6A-Related Kabuki Syndrome. Identifiers: Orphanet 2322, MedGen C3275495, MONDO:0010465, OMIM 300867.

gnomAD v4.1: 2 of 1,180,841 alleles (0.00017%); highest among the groups gnomAD compares: Non-Finnish European, 0.00023%; no homozygotes.

Submission:

Labcorp Genetics (formerly Invitae), Labcorp
Classification: Uncertain significance for Kabuki syndrome 2. Last evaluated: 2024-07-31. Review status: criteria provided, single submitter. Criteria: Invitae Variant Classification Sherloc (09022015). Collection method: clinical testing. Allele origin: germline.
Comment: This sequence change replaces glutamine, which is neutral and polar, with proline, which is neutral and non-polar, at codon 462 of the KDM6A protein (p.Gln462Pro). This variant is not present in population databases (gnomAD no frequency). This variant has not been reported in the literature in individuals affected with KDM6A-related conditions. Advanced modeling of protein sequence and biophysical properties (such as structural, functional, and spatial information, amino acid conservation, physicochemical variation, residue mobility, and thermodynamic stability) performed at Invitae indicates that this missense variant is not expected to disrupt KDM6A protein function with a negative predictive value of 80%. In summary, the available evidence is currently insufficient to determine the role of this variant in disease. Therefore, it has been classified as a Variant of Uncertain Significance.

NM_001291415.2(KDM6A):c.1541A>C (p.Gln514Pro)

Gene: KDM6A (lysine demethylase 6A; plus strand). Cytogenetic location: Xp11.3.
Variant type: single nucleotide variant.
Coding change: c.1541A>C on transcript NM_001291415.2 (MANE Select); coding-DNA position 1541, A replaced by C.
Protein change: p.Gln514Pro; replaces glutamine 514 with proline.
Molecular consequence: missense variant. On other transcripts: non-coding transcript variant (1).
Genome position (GRCh38, 1-based): chrX:45,061,379, A>C. VCF-style: chrX-45061379-A-C. GRCh37 (hg19) VCF-style: chrX-44920624-A-C.
Other names: c.1406A>C, p.Gln469Pro (NM_001291416.2, NM_001419811.1); c.1250A>C, p.Gln417Pro (NM_001291417.2, NM_001291418.2, NM_001419815.1); c.497A>C, p.Gln166Pro (NM_001291421.2); c.1385A>C, p.Gln462Pro (NM_001410742.1, NM_001419812.1, NM_001419814.1 and 1 more transcripts); c.1541A>C, p.Gln514Pro (NM_001419809.1, NM_001419810.1, NM_001419813.1); short protein forms Q514P, Q166P, Q469P, Q417P, Q462P.
Identifiers: ClinVar variation 3698603 (VCV003698603.2).